The following is an entry in ClinVar:

ClinVar aggregate classification (germline): Pathogenic/Likely pathogenic. Review status: criteria provided, multiple submitters, no conflicts (2 of 4 stars). 3 submissions from 3 submitters: Pathogenic (2); Likely pathogenic (1). Last evaluated 2025-10-10.

Conditions:
Cardiovascular phenotype. Identifiers: MedGen CN230736.
Hereditary cancer-predisposing syndrome. Also called: Hereditary neoplastic syndrome; Neoplastic Syndromes, Hereditary; Tumor predisposition; Hereditary Cancer Syndrome. Identifiers: Orphanet 140162, MedGen C0027672, MeSH D009386, MONDO:0015356.
Noonan syndrome 10 (NS10). Identifiers: Orphanet 648, MedGen C4225280, MONDO:0014693, OMIM 616564.
Noonan syndrome 2 (NS2). Identifiers: Orphanet 648, MedGen C1854469, MONDO:0011531, OMIM 605275.
LZTR1-related schwannomatosis. Also called: Schwannomatosis 2; Schwannomatosis-2, susceptibility to. Identifiers: Orphanet 93921, MedGen C3810283, MONDO:0014299, OMIM 615670.

Allele frequency attached by ClinVar (database versions not stated): gnomAD exomes below 0.00001; ExAC 0.00001.
gnomAD v4.1: 1 of 1,613,880 alleles (0.000062%); highest among the groups gnomAD compares: South Asian, 0.0011%; no homozygotes.

Submissions (3):

Ambry Genetics
Classification: Pathogenic for Cardiovascular phenotype; Hereditary cancer-predisposing syndrome. Last evaluated: 2025-10-10. Review status: criteria provided, single submitter. Criteria: Ambry Variant Classification Scheme 2023. Collection method: clinical testing. Allele origin: germline.
Comment: The p.K360* pathogenic mutation (also known as c.1078A>T), located in coding exon 10 of the LZTR1 gene, results from an A to T substitution at nucleotide position 1078. This changes the amino acid from a lysine to a stop codon within coding exon 10. This alteration is expected to result in loss of function by premature protein truncation or nonsense-mediated mRNA decay. Loss-of-function variants in LZTR1 are related to an increased risk for schwannomas and autosomal recessive Noonan syndrome; however, such associations with autosomal dominant Noonan syndrome have not been observed (Piotrowski A et al. Nat Genet. 2014 Feb;46:182-7; Yamamoto GL et al. J Med Genet. 2015 Jun;52:413-21; Johnston JJ et al. Genet Med. 2018 10;20:1175-1185). Based on the supporting evidence, this variant is pathogenic for an increased risk of LZTR1-related schwannomatosis (SWN) and would be expected to cause autosomal recessive Noonan syndrome when present along with a second pathogenic or likely pathogenic variant on the other allele; however, the association of this alteration with autosomal dominant Noonan syndrome is unlikely.

Labcorp Genetics (formerly Invitae), Labcorp
Classification: Pathogenic. Last evaluated: 2025-07-18. Review status: criteria provided, single submitter. Criteria: Invitae Variant Classification Sherloc (09022015). Collection method: clinical testing. Allele origin: germline.
Comment: This sequence change creates a premature translational stop signal (p.Lys360*) in the LZTR1 gene. It is expected to result in an absent or disrupted protein product. Loss-of-function variants in LZTR1 are known to be pathogenic (PMID: 24362817, 25335493, 25480913, 25795793, 29469822, 30368668, 30442762, 30442766, 30481304, 30859559). This variant is present in population databases (rs751308379, gnomAD 0.003%). This variant has not been reported in the literature in individuals affected with LZTR1-related conditions. ClinVar contains an entry for this variant (Variation ID: 1683643). For these reasons, this variant has been classified as Pathogenic.

Laboratorio de Genetica e Diagnostico Molecular, Hospital Israelita Albert Einstein
Classification: Likely pathogenic for Noonan syndrome 2; LZTR1-related schwannomatosis; Noonan syndrome 10. Last evaluated: 2021-09-09. Review status: criteria provided, single submitter. Criteria: ACMG Guidelines, 2015. Collection method: clinical testing. Allele origin: germline. Affected: yes.
Comment: ACMG classification criteria: PVS1 very strong, PM2 moderate

Literature cited by the submitters: PubMed 24362817 (cited by Labcorp Genetics (formerly Invitae), Labcorp); PubMed 25335493 (cited by Labcorp Genetics (formerly Invitae), Labcorp); PubMed 25480913 (cited by Labcorp Genetics (formerly Invitae), Labcorp); PubMed 25795793 (cited by Labcorp Genetics (formerly Invitae), Labcorp); PubMed 29469822 (cited by Labcorp Genetics (formerly Invitae), Labcorp); PubMed 30368668 (cited by Labcorp Genetics (formerly Invitae), Labcorp); PubMed 30442762 (cited by Labcorp Genetics (formerly Invitae), Labcorp); PubMed 30442766 (cited by Labcorp Genetics (formerly Invitae), Labcorp); PubMed 30481304 (cited by Labcorp Genetics (formerly Invitae), Labcorp); PubMed 30859559 (cited by Labcorp Genetics (formerly Invitae), Labcorp).

NM_006767.4(LZTR1):c.1078A>T (p.Lys360Ter)

Gene: LZTR1 (leucine zipper like post translational regulator 1; plus strand). Cytogenetic location: 22q11.21.
Variant type: single nucleotide variant.
Coding change: c.1078A>T on transcript NM_006767.4 (MANE Select); coding-DNA position 1078, A replaced by T.
Protein change: p.Lys360Ter; replaces lysine 360 with a stop codon.
Molecular consequence: nonsense.
Genome position (GRCh38, 1-based): chr22:20,992,298, A>T. VCF-style: chr22-20992298-A-T. GRCh37 (hg19) VCF-style: chr22-21346587-A-T.
Other names: c.1078A>T (NM_006767.3); short protein forms K360*.
Identifiers: ClinVar variation 1683643 (VCV001683643.4), dbSNP rs751308379, ClinGen allele CA10118713.
Genomic context (GRCh38, chr22:20,992,298, plus strand): 5'-CGAGCCTGTGCTTCCGAGGAGGTGCCCACCCTGACCTATGAGGAGCGGGTTGGCTTCAAG[A>T]AGTCCCGAGATGTGTTTGGCCTGGACTTTGGCACCACCTCAGCCAAGCAGCCCACCCAGC-3'